The following is an entry in ClinVar:

NM_006231.4(POLE):c.4376A>C (p.Glu1459Ala)

Gene: POLE (DNA polymerase epsilon, catalytic subunit; minus strand). Cytogenetic location: 12q24.33.
Variant type: single nucleotide variant.
Coding change: c.4376A>C on transcript NM_006231.4 (MANE Select); coding-DNA position 4376, A replaced by C.
Protein change: p.Glu1459Ala; replaces glutamic acid 1459 with alanine.
Molecular consequence: missense variant.
Genome position (GRCh38, 1-based): chr12:132,643,475, T>G on the plus strand (A>C on the coding strand, the complement: POLE is on the minus strand). VCF-style: chr12-132643475-T-G. GRCh37 (hg19) VCF-style: chr12-133220061-T-G.
Other names: short protein forms E1459A.
Identifiers: ClinVar variation 4862320 (VCV004862320.1).

ClinVar aggregate classification (germline): Uncertain significance (1 of 4 stars; one submission).

Conditions:
Hereditary cancer-predisposing syndrome. Also called: Neoplastic Syndromes, Hereditary; Tumor predisposition; Hereditary Cancer Syndrome; Hereditary neoplastic syndrome. Identifiers: Orphanet 140162, MedGen C0027672, MeSH D009386, MONDO:0015356.

Submission:

Ambry Genetics
Classification: Uncertain significance for Hereditary cancer-predisposing syndrome. Last evaluated: 2026-05-17. Review status: criteria provided, single submitter. Criteria: Ambry Variant Classification Scheme 2023. Collection method: clinical testing. Allele origin: germline.
Comment: The p.E1459A variant (also known as c.4376A>C), located in coding exon 34 of the POLE gene, results from an A to C substitution at nucleotide position 4376. The glutamic acid at codon 1459 is replaced by alanine, an amino acid with dissimilar properties. This amino acid position is conserved. In addition, this alteration is predicted to be tolerated by in silico analysis. Based on the available evidence, the clinical significance of this variant remains unclear.